The following is an entry in ClinVar:

ClinVar aggregate classification (germline): Uncertain significance (1 of 4 stars; one submission).

Submission:

Labcorp Genetics (formerly Invitae), Labcorp
Classification: Uncertain significance. Last evaluated: 2023-05-11. Review status: criteria provided, single submitter. Criteria: Invitae Variant Classification Sherloc (09022015). Collection method: clinical testing. Allele origin: germline.
Comment: In summary, the available evidence is currently insufficient to determine the role of this variant in disease. Therefore, it has been classified as a Variant of Uncertain Significance. Algorithms developed to predict the effect of missense changes on protein structure and function output the following: SIFT: "Not Available"; PolyPhen-2: "Benign"; Align-GVGD: "Not Available". The arginine amino acid residue is found in multiple mammalian species, which suggests that this missense change does not adversely affect protein function. This variant has not been reported in the literature in individuals affected with SI-related conditions. This variant is not present in population databases (gnomAD no frequency). This sequence change replaces threonine, which is neutral and polar, with arginine, which is basic and polar, at codon 956 of the SI protein (p.Thr956Arg).

NM_001041.4(SI):c.2867C>G (p.Thr956Arg)

Gene: SI (sucrase-isomaltase; minus strand). Cytogenetic location: 3q26.1.
Variant type: single nucleotide variant.
Coding change: c.2867C>G on transcript NM_001041.4 (MANE Select); coding-DNA position 2867, C replaced by G.
Protein change: p.Thr956Arg; replaces threonine 956 with arginine.
Molecular consequence: missense variant.
Genome position (GRCh38, 1-based): chr3:165,030,737, G>C on the plus strand (C>G on the coding strand, the complement: SI is on the minus strand). VCF-style: chr3-165030737-G-C. GRCh37 (hg19) VCF-style: chr3-164748525-G-C.
Other names: short protein forms T956R.
Identifiers: ClinVar variation 2859112 (VCV002859112.3), dbSNP rs2473317455, ClinGen allele CA355045004.